The following is an entry in ClinVar:

NM_020911.2(PLXNA4):c.5613T>C (p.Asp1871=)

Gene: PLXNA4 (plexin A4; minus strand). Cytogenetic location: 7q32.3.
Variant type: single nucleotide variant.
Coding change: c.5613T>C on transcript NM_020911.2 (MANE Select); coding-DNA position 5613, T replaced by C.
Protein change: p.Asp1871=; no amino-acid change (aspartic acid 1871 retained).
Molecular consequence: synonymous variant.
Genome position (GRCh38, 1-based): chr7:132,130,551, A>G on the plus strand (T>C on the coding strand, the complement: PLXNA4 is on the minus strand). VCF-style: chr7-132130551-A-G. GRCh37 (hg19) VCF-style: chr7-131815310-A-G.
Other names: c.5613T>C, p.Asp1871= (NM_001393897.1).
Identifiers: ClinVar variation 3060996 (VCV003060996.2), dbSNP rs2671103, ClinGen allele CA4488837.
Genomic context (GRCh38, chr7:132,130,551, plus strand): 5'-GCTCATGAGGGTTATGACTTGTTCTAGTTTGTAGGCCAGTTTCTGCTTCCCACACTGGTC[A>G]TCGTGGTCCAGAGGTCCAAGGATCTGCGGAAGGGCCAAGAACAGGGAGATTACTCATTTG-3'
Protein context (NP_065962.1, residues 1861-1881): SEEILGPLDH[Asp1871=]DQCGKQKLAY

ClinVar aggregate classification (germline): Benign (0 of 4 stars; one submission).

Conditions:
PLXNA4-related disorder. Also called: PLXNA4-related condition.

Allele frequency attached by ClinVar (database versions not stated): ESP Exome Variant Server 0.86224; gnomAD exomes 0.86926; TOPMed 0.87103; ExAC 0.88780; 1000 Genomes Project 30x 0.89444; 1000 Genomes Project 0.89896.
gnomAD v4.1: 1,403,632 of 1,613,950 alleles (87%); highest among the groups gnomAD compares: East Asian, 94%; 611,038 homozygotes.

Submission:

PreventionGenetics, part of Exact Sciences
Classification: Benign for PLXNA4-related condition. Last evaluated: 2022-07-19. Review status: no assertion criteria provided. Collection method: clinical testing. Allele origin: germline.
Comment: This variant is classified as benign based on ACMG/AMP sequence variant interpretation guidelines (Richards et al. 2015 PMID: 25741868, with internal and published modifications).